The following is an entry in ClinVar:

ClinVar aggregate classification (germline): Likely benign (1 of 4 stars; one submission).

Submission:

CeGaT Center for Human Genetics Tuebingen
Classification: Likely benign. Last evaluated: 2024-11-01. Review status: criteria provided, single submitter. Criteria: CeGaT Center For Human Genetics Tuebingen Variant Classification Criteria Version 2. Collection method: clinical testing. Allele origin: germline. Affected: yes. Observed: 1 variant allele.
Comment: BRD4: BP4, BP7

NM_001379291.1(BRD4):c.2664A>C (p.Pro888=)

Gene: BRD4 (bromodomain containing 4; minus strand). Cytogenetic location: 19p13.12.
Variant type: single nucleotide variant.
Coding change: c.2664A>C on transcript NM_001379291.1 (MANE Select); coding-DNA position 2664, A replaced by C.
Protein change: p.Pro888=; no amino-acid change (proline 888 retained).
Molecular consequence: synonymous variant.
Genome position (GRCh38, 1-based): chr19:15,243,405, T>G on the plus strand (A>C on the coding strand, the complement: BRD4 is on the minus strand). VCF-style: chr19-15243405-T-G. GRCh37 (hg19) VCF-style: chr19-15354216-T-G.
Other names: c.2664A>C, p.Pro888= (NM_058243.3).
Identifiers: ClinVar variation 3388575 (VCV003388575.14).
Genomic context (GRCh38, chr19:15,243,405, plus strand): 5'-GGGTTGGGCCATGGGGGGCTGTGGGAGCAGGGGTGTTTGGGTCAAGGCTGGTGACACGGC[T>G]GGGGGCCGGGCGGGCTTGGGAGGCAGGGCAGCGGCTCGGTTGCTGGGCCGTGATGGCTGC-3'
Protein context (NP_001366220.1, residues 878-898): AALPPKPARP[Pro888=]AVSPALTQTP